The following is an entry in ClinVar:

NM_000719.7(CACNA1C):c.6271A>G (p.Asn2091Asp)

Genes: CACNA1C (calcium voltage-gated channel subunit alpha1 C; plus strand), CACNA1C-AS1 (CACNA1C antisense RNA 1; minus strand). Cytogenetic location: 12p13.33.
Variant type: single nucleotide variant.
Coding change: c.6271A>G on transcript NM_000719.7 (MANE Select); coding-DNA position 6271, A replaced by G.
Protein change: p.Asn2091Asp; replaces asparagine 2091 with aspartic acid.
Molecular consequence: missense variant.
Genome position (GRCh38, 1-based): chr12:2,691,053, A>G. VCF-style: chr12-2691053-A-G. GRCh37 (hg19) VCF-style: chr12-2800219-A-G.
Other names: c.6415A>G, p.Asn2139Asp (NM_001129827.2); c.6394A>G, p.Asn2132Asp (NM_001129829.2); c.6376A>G, p.Asn2126Asp (NM_001129830.3, NM_001167624.3); c.6355A>G, p.Asn2119Asp (NM_001129831.2); c.6331A>G, p.Asn2111Asp (NM_001129832.2); c.6328A>G, p.Asn2110Asp (NM_001129833.2, NM_001129834.2, NM_001129835.2); c.6322A>G, p.Asn2108Asp (NM_001129836.2); c.6295A>G, p.Asn2099Asp (NM_001129837.2, NM_001129838.2); and 6 more; short protein forms N2088D, N2091D, N2139D, N2080D, N2099D, N2111D, N2119D, N2110D.
Identifiers: ClinVar variation 806774 (VCV000806774.43), dbSNP rs1603473411, ClinGen allele CA383386811.
Genomic context (GRCh38, chr12:2,691,053, plus strand): 5'-ATAGAGGAGATGGAGAGCGCGGCCGACAACATCCTCAGCGGGGGCGCCCCACAGAGCCCC[A>G]ATGGCGCCCTCTTACCCTTTGTGAACTGCAGGGACGCGGGGCAGGACCGAGCCGGGGGCG-3'
Protein context (NP_000710.5, residues 2081-2101): ILSGGAPQSP[Asn2091Asp]GALLPFVNCR

ClinVar aggregate classification (germline): Uncertain significance. Review status: criteria provided, multiple submitters, no conflicts (2 of 4 stars). 2 submissions from 2 submitters: Uncertain significance (2). Last evaluated 2025-11-18.

Conditions:
Long QT syndrome (LQTS). Identifiers: MedGen C0023976, MeSH D008133, MONDO:0002442. Disease mechanism: loss of function. Inheritance: Various modes of inheritance.

gnomAD v4.1: 1 of 1,607,060 alleles (0.000062%); highest among the groups gnomAD compares: Non-Finnish European, 0.000085%; no homozygotes.

Submissions (2):

Labcorp Genetics (formerly Invitae), Labcorp
Classification: Uncertain significance for Long QT syndrome. Last evaluated: 2025-11-18. Review status: criteria provided, single submitter. Criteria: Invitae Variant Classification Sherloc (09022015). Collection method: clinical testing. Allele origin: germline.
Comment: This sequence change replaces asparagine, which is neutral and polar, with aspartic acid, which is acidic and polar, at codon 2091 of the CACNA1C protein (p.Asn2091Asp). This variant is not present in population databases (gnomAD no frequency). This variant has not been reported in the literature in individuals affected with CACNA1C-related conditions. ClinVar contains an entry for this variant (Variation ID: 806774). Invitae Evidence Modeling of protein sequence and biophysical properties (such as structural, functional, and spatial information, amino acid conservation, physicochemical variation, residue mobility, and thermodynamic stability) indicates that this missense variant is not expected to disrupt CACNA1C protein function with a negative predictive value of 95%. In summary, the available evidence is currently insufficient to determine the role of this variant in disease. Therefore, it has been classified as a Variant of Uncertain Significance.

CeGaT Center for Human Genetics Tuebingen
Classification: Uncertain significance. Last evaluated: 2019-05-01. Review status: criteria provided, single submitter. Criteria: CeGaT Center For Human Genetics Tuebingen Variant Classification Criteria Version 2. Collection method: clinical testing. Allele origin: germline. Affected: yes. Observed: 1 variant allele.